The following is an entry in ClinVar:

ClinVar aggregate classification (germline): Benign. Review status: criteria provided, single submitter (1 of 4 stars). 2 submissions from 2 submitters: Benign (1). 1 of the submissions does not count toward it. Last evaluated 2018-05-23.

Conditions:
PAK1-related disorder. Also called: PAK1-related condition.

Allele frequency attached by ClinVar (database versions not stated): gnomAD 0.00005 and 0.00078; TOPMed 0.00017; gnomAD exomes 0.00125 and 0.00265; ExAC 0.00304; 1000 Genomes Project 0.00619; 1000 Genomes Project 30x 0.00640.
gnomAD v4.1: 1,966 of 1,613,852 alleles (0.12%); highest among the groups gnomAD compares: South Asian, 2%; 36 homozygotes.

Submissions (2):

Labcorp Genetics (formerly Invitae), Labcorp
Classification: Benign. Last evaluated: 2018-05-23. Review status: criteria provided, single submitter. Criteria: Invitae Variant Classification Sherloc (09022015). Collection method: clinical testing. Allele origin: germline.

PreventionGenetics, part of Exact Sciences
Classification: Benign for PAK1-related condition. Last evaluated: 2019-04-26. Review status: no assertion criteria provided. Collection method: clinical testing. Allele origin: germline. Not counted in ClinVar's aggregate classification.
Comment: This variant is classified as benign based on ACMG/AMP sequence variant interpretation guidelines (Richards et al. 2015 PMID: 25741868, with internal and published modifications).

NM_002576.5(PAK1):c.345G>A (p.Ser115=)

Gene: PAK1 (p21 (RAC1) activated kinase 1; minus strand). Cytogenetic location: 11q13.5.
Variant type: single nucleotide variant.
Coding change: c.345G>A on transcript NM_002576.5 (MANE Select); coding-DNA position 345, G replaced by A.
Protein change: p.Ser115=; no amino-acid change (serine 115 retained).
Molecular consequence: synonymous variant. On other transcripts: non-coding transcript variant (2), intron variant (1).
Genome position (GRCh38, 1-based): chr11:77,379,335, C>T on the plus strand (G>A on the coding strand, the complement: PAK1 is on the minus strand). VCF-style: chr11-77379335-C-T. GRCh37 (hg19) VCF-style: chr11-77090380-C-T.
Other names: c.345G>A, p.Ser115= (NM_001128620.2, NM_001376268.1, NM_001376269.1 and 26 more transcripts); c.366G>A, p.Ser122= (NM_001376272.1); c.51G>A, p.Ser17= (NM_001376302.1, NM_001376304.1, NM_001376305.1); c.191-4970G>A (NM_001376301.1).
Identifiers: ClinVar variation 712103 (VCV000712103.5), dbSNP rs367836292, ClinGen allele CA6200147.